The following is an entry in ClinVar:

ClinVar aggregate classification (germline): Likely benign (1 of 4 stars; one submission).

Conditions:
Qualitative or quantitative defects of delta-sarcoglycan. Identifiers: Orphanet 207070, MedGen C5680806, MONDO:0016144.

Allele frequency attached by ClinVar (database versions not stated): gnomAD 0.00333 and 0.00363; 1000 Genomes Project 0.00339; 1000 Genomes Project 30x 0.00390; TOPMed 0.00392.

Submission:

Illumina Laboratory Services, Illumina
Classification: Likely benign for Qualitative or quantitative defects of delta-sarcoglycan. Last evaluated: 2018-01-13. Review status: criteria provided, single submitter. Criteria: ICSL Variant Classification Criteria 13 December 2019. Collection method: clinical testing. Allele origin: germline.
Comment: This variant was observed in the ICSL laboratory as part of a predisposition screen in an ostensibly healthy population. It had not been previously curated by ICSL or reported in the Human Gene Mutation Database (HGMD: prior to June 1st, 2018), and was therefore a candidate for classification through an automated scoring system. Utilizing variant allele frequency, disease prevalence and penetrance estimates, and inheritance mode, an automated score was calculated to assess if this variant is too frequent to cause the disease. Based on the score and internal cut-off values, a variant classified as likely benign is not then subjected to further curation. The score for this variant resulted in a classification of likely benign for this disease.

NM_000337.6(SGCD):c.*4638C>A

Gene: SGCD (sarcoglycan delta; plus strand). Cytogenetic location: 5q33.3.
Variant type: single nucleotide variant.
Coding change: c.*4638C>A on transcript NM_000337.6 (MANE Select); 4638 bases downstream of the stop codon, C replaced by A.
Molecular consequence: 3 prime UTR variant.
Genome position (GRCh38, 1-based): chr5:156,764,028, C>A. VCF-style: chr5-156764028-C-A. GRCh37 (hg19) VCF-style: chr5-156191039-C-A.
Other names: c.*4638C>A (NM_001128209.2).
Identifiers: ClinVar variation 352394 (VCV000352394.6), dbSNP rs187538595, ClinGen allele CA10623713.